The following is an entry in ClinVar:

ClinVar aggregate classification (germline): Uncertain significance (1 of 4 stars; one submission).

Conditions:
Combined malonic and methylmalonic acidemia. Identifiers: Orphanet 289504, MedGen C3280314, MONDO:0013661, OMIM 614265.

Allele frequency attached by ClinVar (database versions not stated): gnomAD 0.00001; TOPMed 0.00001.
gnomAD v4.1: 6 of 1,613,748 alleles (0.00037%); highest among the groups gnomAD compares: South Asian, 0.0022%; no homozygotes.

Submission:

Labcorp Genetics (formerly Invitae), Labcorp
Classification: Uncertain significance for Combined malonic and methylmalonic acidemia. Last evaluated: 2022-07-06. Review status: criteria provided, single submitter. Criteria: Invitae Variant Classification Sherloc (09022015). Collection method: clinical testing. Allele origin: germline.
Comment: This sequence change replaces arginine, which is basic and polar, with cysteine, which is neutral and slightly polar, at codon 74 of the ACSF3 protein (p.Arg74Cys). This variant is present in population databases (no rsID available, gnomAD 0.007%). This variant has not been reported in the literature in individuals affected with ACSF3-related conditions. Algorithms developed to predict the effect of missense changes on protein structure and function are either unavailable or do not agree on the potential impact of this missense change (SIFT: "Tolerated"; PolyPhen-2: "Probably Damaging"; Align-GVGD: "Class C0"). In summary, the available evidence is currently insufficient to determine the role of this variant in disease. Therefore, it has been classified as a Variant of Uncertain Significance.

NM_001243279.3(ACSF3):c.220C>T (p.Arg74Cys)

Gene: ACSF3 (acyl-CoA synthetase family member 3; plus strand). Cytogenetic location: 16q24.3.
Variant type: single nucleotide variant.
Coding change: c.220C>T on transcript NM_001243279.3 (MANE Select); coding-DNA position 220, C replaced by T.
Protein change: p.Arg74Cys; replaces arginine 74 with cysteine.
Molecular consequence: missense variant. On other transcripts: non-coding transcript variant (3), intron variant (1).
Genome position (GRCh38, 1-based): chr16:89,100,901, C>T. VCF-style: chr16-89100901-C-T. GRCh37 (hg19) VCF-style: chr16-89167309-C-T.
Other names: c.220C>T, p.Arg74Cys (NM_001127214.4, NM_174917.5); c.-129-1703C>T (NM_001284316.2); short protein forms R74C.
Identifiers: ClinVar variation 2151691 (VCV002151691.1), dbSNP rs1407341761, ClinGen allele CA397133660.